The following is an entry in ClinVar:

NM_000059.4(BRCA2):c.272A>G (p.Tyr91Cys)

Gene: BRCA2 (BRCA2 DNA repair associated; plus strand). Cytogenetic location: 13q13.1.
Variant type: single nucleotide variant.
Coding change: c.272A>G on transcript NM_000059.4 (MANE Select); coding-DNA position 272, A replaced by G.
Protein change: p.Tyr91Cys; replaces tyrosine 91 with cysteine.
Molecular consequence: missense variant.
Genome position (GRCh38, 1-based): chr13:32,319,281, A>G. VCF-style: chr13-32319281-A-G. GRCh37 (hg19) VCF-style: chr13-32893418-A-G.
Other names: short protein forms Y91C.
Identifiers: ClinVar variation 418700 (VCV000418700.3), dbSNP rs975508131, ClinGen allele CA16619641.

ClinVar aggregate classification (germline): Uncertain significance. Review status: criteria provided, multiple submitters, no conflicts (2 of 4 stars). 2 submissions from 2 submitters: Uncertain significance (2). Last evaluated 2025-07-09.

Conditions:
Hereditary breast ovarian cancer syndrome. Also called: Hereditary breast and ovarian cancer; Hereditary breast and/or ovarian cancer syndrome; Hereditary breast and ovarian cancer syndrome; Hereditary breast and ovarian cancer syndrome (HBOC); Breast and ovarian cancer; BRCA1- and BRCA2-Associated Hereditary Breast and Ovarian Cancer. Identifiers: Orphanet 145, MedGen C0677776, MeSH D061325, MONDO:0003582. Disease mechanism: loss of function.

Submissions (2):

Labcorp Genetics (formerly Invitae), Labcorp
Classification: Uncertain significance for Hereditary breast ovarian cancer syndrome. Last evaluated: 2025-07-09. Review status: criteria provided, single submitter. Criteria: Invitae Variant Classification Sherloc (09022015). Collection method: clinical testing. Allele origin: germline.
Comment: This sequence change replaces tyrosine, which is neutral and polar, with cysteine, which is neutral and slightly polar, at codon 91 of the BRCA2 protein (p.Tyr91Cys). This variant is not present in population databases (gnomAD no frequency). This variant has not been reported in the literature in individuals affected with BRCA2-related conditions. ClinVar contains an entry for this variant (Variation ID: 418700). Invitae Evidence Modeling of protein sequence and biophysical properties (such as structural, functional, and spatial information, amino acid conservation, physicochemical variation, residue mobility, and thermodynamic stability) indicates that this missense variant is not expected to disrupt BRCA2 protein function with a negative predictive value of 95%. In summary, the available evidence is currently insufficient to determine the role of this variant in disease. Therefore, it has been classified as a Variant of Uncertain Significance.

GeneDx
Classification: Uncertain significance. Last evaluated: 2015-03-13. Review status: criteria provided, single submitter. Criteria: GeneDx Variant Classification (06012015). Collection method: clinical testing. Allele origin: germline. Affected: yes.
Comment: This variant is denoted BRCA2 c.272A>G at the cDNA level, p.Tyr91Cys (Y91C) at the protein level, and results in the change of a Tyrosine to a Cysteine (TAC>TGC). Using alternate nomenclature, this variant would be defined as BRCA2 500A>G. This variant has not, to our knowledge, been published in the literature as pathogenic or benign. BRCA2 Tyr91Cys was not observed in approximately 6,500 individuals of European and African American ancestry in the NHLBI Exome Sequencing Project, indicating it is not a common benign variant in these populations. Since Tyrosine and Cysteine differ in polarity, charge, size or other properties, this is considered a non-conservative amino acid substitution. BRCA2 Tyr91Cys occurs at a position that is moderately conserved among mammals and is not located in a known functional domain (UniProt). In silico analyses predict that this variant is unlikely to alter protein structure or function. Based on currently available information, it is unclear whether BRCA2 Tyr91Cys is pathogenic or benign. We consider it to be a variant of uncertain significance.